The following is an entry in ClinVar:

NM_001261826.3(AP3D1):c.1690G>A (p.Ala564Thr)

Gene: AP3D1 (adaptor related protein complex 3 subunit delta 1; minus strand). Cytogenetic location: 19p13.3.
Variant type: single nucleotide variant.
Coding change: c.1690G>A on transcript NM_001261826.3 (MANE Select); coding-DNA position 1690, G replaced by A.
Protein change: p.Ala564Thr; replaces alanine 564 with threonine.
Molecular consequence: missense variant.
Genome position (GRCh38, 1-based): chr19:2,118,624, C>T on the plus strand (G>A on the coding strand, the complement: AP3D1 is on the minus strand). VCF-style: chr19-2118624-C-T. GRCh37 (hg19) VCF-style: chr19-2118623-C-T.
Other names: c.1690G>A, p.Ala564Thr (NM_001374799.1, NM_003938.8); c.1690G>A (NM_003938.5); short protein forms A564T.
Identifiers: ClinVar variation 3620218 (VCV003620218.3).

ClinVar aggregate classification (germline): Uncertain significance. Review status: criteria provided, multiple submitters, no conflicts (2 of 4 stars). 2 submissions from 2 submitters: Uncertain significance (2). Last evaluated 2025-02-20.

Conditions:
Inborn genetic diseases. Identifiers: MedGen C0950123, MeSH D030342.

gnomAD v4.1: 14 of 1,610,872 alleles (0.00087%); highest among the groups gnomAD compares: African/African-American, 0.0067%; no homozygotes.

Submissions (2):

Ambry Genetics
Classification: Uncertain significance for Inborn genetic diseases. Last evaluated: 2025-02-20. Review status: criteria provided, single submitter. Criteria: Ambry Variant Classification Scheme 2023. Collection method: clinical testing. Allele origin: germline.

Labcorp Genetics (formerly Invitae), Labcorp
Classification: Uncertain significance. Last evaluated: 2024-12-04. Review status: criteria provided, single submitter. Criteria: Invitae Variant Classification Sherloc (09022015). Collection method: clinical testing. Allele origin: germline.
Comment: This sequence change replaces alanine, which is neutral and non-polar, with threonine, which is neutral and polar, at codon 564 of the AP3D1 protein (p.Ala564Thr). The frequency data for this variant in the population databases is considered unreliable, as metrics indicate poor data quality at this position in the gnomAD database. This variant has not been reported in the literature in individuals affected with AP3D1-related conditions. An algorithm developed to predict the effect of missense changes on protein structure and function (PolyPhen-2) suggests that this variant is likely to be tolerated. In summary, the available evidence is currently insufficient to determine the role of this variant in disease. Therefore, it has been classified as a Variant of Uncertain Significance.